The following is an entry in ClinVar:

ClinVar aggregate classification (germline): Uncertain significance (1 of 4 stars; one submission).

Conditions:
Seizures, benign familial infantile, 3 (BFIS3). Also called: Familial neonatal seizures; CONVULSIONS, BENIGN FAMILIAL INFANTILE, 3. Identifiers: Orphanet 140927, Orphanet 306, MedGen C1843140, MONDO:0011904, OMIM 607745.
Developmental and epileptic encephalopathy, 11 (DEE11). Also called: Early infantile epileptic encephalopathy 11. Identifiers: Orphanet 1934, MedGen C3150987, MONDO:0013388, OMIM 613721.

Submission:

Labcorp Genetics (formerly Invitae), Labcorp
Classification: Uncertain significance for Seizures, benign familial infantile, 3; Developmental and epileptic encephalopathy, 11. Last evaluated: 2021-09-15. Review status: criteria provided, single submitter. Criteria: Invitae Variant Classification Sherloc (09022015). Collection method: clinical testing. Allele origin: germline.
Comment: This variant has not been reported in the literature in individuals affected with SCN2A-related conditions. Algorithms developed to predict the effect of missense changes on protein structure and function output the following: SIFT: "Tolerated"; PolyPhen-2: "Benign"; Align-GVGD: "Class C0". The threonine amino acid residue is found in multiple mammalian species, which suggests that this missense change does not adversely affect protein function. In summary, the available evidence is currently insufficient to determine the role of this variant in disease. Therefore, it has been classified as a Variant of Uncertain Significance. This variant is not present in population databases (ExAC no frequency). This sequence change replaces alanine with threonine at codon 477 of the SCN2A protein (p.Ala477Thr). The alanine residue is moderately conserved and there is a small physicochemical difference between alanine and threonine.

NM_001040142.2(SCN2A):c.1429G>A (p.Ala477Thr)

Gene: SCN2A (sodium voltage-gated channel alpha subunit 2; plus strand). Cytogenetic location: 2q24.3.
Variant type: single nucleotide variant.
Coding change: c.1429G>A on transcript NM_001040142.2 (MANE Select); coding-DNA position 1429, G replaced by A.
Protein change: p.Ala477Thr; replaces alanine 477 with threonine.
Molecular consequence: missense variant.
Genome position (GRCh38, 1-based): chr2:165,315,516, G>A. VCF-style: chr2-165315516-G-A. GRCh37 (hg19) VCF-style: chr2-166172026-G-A.
Other names: c.1429G>A, p.Ala477Thr (NM_001040143.2, NM_001371246.1, NM_001371247.1 and 1 more transcripts); short protein forms A477T.
Identifiers: ClinVar variation 1462191 (VCV001462191.6), dbSNP rs2105259608, ClinGen allele CA349022779.
Genomic context (GRCh38, chr2:165,315,516, plus strand): 5'-TTTGCGCCCTTCTAGGCGGCAGCTGCAGCCGCATCTGCTGAATCAAGAGACTTCAGTGGT[G>A]CTGGTGGGATAGGAGTTTTTTCAGAGAGTTCTTCAGTAGCATCTAAGTTGAGCTCCAAAA-3'
Protein context (NP_001035232.1, residues 467-487): ASAESRDFSG[Ala477Thr]GGIGVFSESS